The following is an entry in ClinVar:

ClinVar aggregate classification (germline): Likely benign. Review status: criteria provided, multiple submitters, no conflicts (2 of 4 stars). 2 submissions from 2 submitters: Likely benign (2). Last evaluated 2022-03-01.

Submissions (2):

Labcorp Genetics (formerly Invitae), Labcorp
Classification: Likely benign. Last evaluated: 2022-03-01. Review status: criteria provided, single submitter. Criteria: Invitae Variant Classification Sherloc (09022015). Collection method: clinical testing. Allele origin: germline.

GeneDx
Classification: Likely benign. Last evaluated: 2017-09-13. Review status: criteria provided, single submitter. Criteria: GeneDx Variant Classification (06012015). Collection method: clinical testing. Allele origin: germline. Affected: yes.
Comment: This variant is considered likely benign or benign based on one or more of the following criteria: it is a conservative change, it occurs at a poorly conserved position in the protein, it is predicted to be benign by multiple in silico algorithms, and/or has population frequency not consistent with disease.

NM_001854.4(COL11A1):c.2656-4G>T

Gene: COL11A1 (collagen type XI alpha 1 chain; minus strand). Cytogenetic location: 1p21.1.
Variant type: single nucleotide variant.
Coding change: c.2656-4G>T on transcript NM_001854.4 (MANE Select); 4 bases into the intron before coding-DNA position 2656, G replaced by T.
Molecular consequence: intron variant.
Genome position (GRCh38, 1-based): chr1:102,978,917, C>A on the plus strand (G>T on the coding strand, the complement: COL11A1 is on the minus strand). VCF-style: chr1-102978917-C-A. GRCh37 (hg19) VCF-style: chr1-103444473-C-A.
Other names: c.2539-4G>T (NM_001190709.2); c.2692-4G>T (NM_080629.3); c.2308-4G>T (NM_080630.4).
Identifiers: ClinVar variation 511942 (VCV000511942.5), dbSNP rs1553224423, ClinGen allele CA658795494.